The following is an entry in ClinVar:

ClinVar aggregate classification (germline): Uncertain significance (1 of 4 stars; one submission).

gnomAD v4.1: 1 of 1,614,092 alleles (0.000062%); highest among the groups gnomAD compares: Non-Finnish European, 0.000085%; no homozygotes.

Submission:

Labcorp Genetics (formerly Invitae), Labcorp
Classification: Uncertain significance. Last evaluated: 2022-06-08. Review status: criteria provided, single submitter. Criteria: Invitae Variant Classification Sherloc (09022015). Collection method: clinical testing. Allele origin: germline.
Comment: This sequence change replaces threonine, which is neutral and polar, with isoleucine, which is neutral and non-polar, at codon 1322 of the LTBP2 protein (p.Thr1322Ile). This variant is not present in population databases (gnomAD no frequency). This variant has not been reported in the literature in individuals affected with LTBP2-related conditions. Algorithms developed to predict the effect of missense changes on protein structure and function (SIFT, PolyPhen-2, Align-GVGD) all suggest that this variant is likely to be disruptive. In summary, the available evidence is currently insufficient to determine the role of this variant in disease. Therefore, it has been classified as a Variant of Uncertain Significance.

NM_000428.3(LTBP2):c.3965C>T (p.Thr1322Ile)

Gene: LTBP2 (latent transforming growth factor beta binding protein 2; minus strand). Cytogenetic location: 14q24.3.
Variant type: single nucleotide variant.
Coding change: c.3965C>T on transcript NM_000428.3 (MANE Select); coding-DNA position 3965, C replaced by T.
Protein change: p.Thr1322Ile; replaces threonine 1322 with isoleucine.
Molecular consequence: missense variant.
Genome position (GRCh38, 1-based): chr14:74,506,766, G>A on the plus strand (C>T on the coding strand, the complement: LTBP2 is on the minus strand). VCF-style: chr14-74506766-G-A. GRCh37 (hg19) VCF-style: chr14-74973469-G-A.
Other names: short protein forms T1322I.
Identifiers: ClinVar variation 2003362 (VCV002003362.1), dbSNP rs781122518, ClinGen allele CA390386840.